The following is an entry in ClinVar:

NM_006767.4(LZTR1):c.320G>C (p.Arg107Thr)

Gene: LZTR1 (leucine zipper like post translational regulator 1; plus strand). Cytogenetic location: 22q11.21.
Variant type: single nucleotide variant.
Coding change: c.320G>C on transcript NM_006767.4 (MANE Select); coding-DNA position 320, G replaced by C.
Protein change: p.Arg107Thr; replaces arginine 107 with threonine.
Molecular consequence: missense variant.
Genome position (GRCh38, 1-based): chr22:20,985,897, G>C. VCF-style: chr22-20985897-G-C. GRCh37 (hg19) VCF-style: chr22-21340186-G-C.
Other names: short protein forms R107T.
Identifiers: ClinVar variation 1297494 (VCV001297494.11), dbSNP rs1301901369, ClinGen allele CA410778913.

ClinVar aggregate classification (germline): Conflicting classifications of pathogenicity. Review status: criteria provided, conflicting classifications (1 of 4 stars). 6 submissions from 6 submitters: Likely pathogenic (1); Uncertain significance (3). 2 of the submissions do not count toward it. Last evaluated 2025-11-24.

Conditions:
LZTR1-related schwannomatosis. Also called: Schwannomatosis-2, susceptibility to; Schwannomatosis 2. Identifiers: Orphanet 93921, MedGen C3810283, MONDO:0014299, OMIM 615670.
Hereditary cancer-predisposing syndrome. Also called: Tumor predisposition; Hereditary neoplastic syndrome; Neoplastic Syndromes, Hereditary; Hereditary Cancer Syndrome. Identifiers: Orphanet 140162, MedGen C0027672, MeSH D009386, MONDO:0015356.
Cardiovascular phenotype. Identifiers: MedGen CN230736.

Allele frequency attached by ClinVar (database versions not stated): TOPMed below 0.00001; gnomAD 0.00001.
gnomAD v4.1: 3 of 1,613,994 alleles (0.00019%); highest among the groups gnomAD compares: South Asian, 0.0011%; no homozygotes.

Submissions (6):

Labcorp Genetics (formerly Invitae), Labcorp
Classification: Uncertain significance. Last evaluated: 2025-11-24. Review status: criteria provided, single submitter. Criteria: Invitae Variant Classification Sherloc (09022015). Collection method: clinical testing. Allele origin: germline.
Comment: This sequence change replaces arginine, which is basic and polar, with threonine, which is neutral and polar, at codon 107 of the LZTR1 protein (p.Arg107Thr). This variant also falls at the last nucleotide of exon 3, which is part of the consensus splice site for this exon. This variant is not present in population databases (gnomAD no frequency). This variant has not been reported in the literature in individuals affected with LZTR1-related conditions. ClinVar contains an entry for this variant (Variation ID: 1297494). An algorithm developed to predict the effect of missense changes on protein structure and function (PolyPhen-2) suggests that this variant is likely to be disruptive. Variants that disrupt the consensus splice site are a relatively common cause of aberrant splicing (PMID: 17576681, 9536098). Algorithms developed to predict the effect of sequence changes on RNA splicing suggest that this variant may disrupt the consensus splice site. In summary, the available evidence is currently insufficient to determine the role of this variant in disease. Therefore, it has been classified as a Variant of Uncertain Significance.

Ambry Genetics
Classification: Likely pathogenic for Cardiovascular phenotype; Hereditary cancer-predisposing syndrome. Last evaluated: 2025-01-09. Review status: criteria provided, single submitter. Criteria: Ambry Variant Classification Scheme 2023. Collection method: clinical testing. Allele origin: germline.
Comment: The c.320G>C variant (also known as p.R107T), located in coding exon 3 of the LZTR1 gene, results from a G to C substitution at nucleotide position 320. The amino acid change results in arginine to threonine at codon 107, an amino acid with similar properties. However, this change occurs in the last base pair of coding exon 3, which makes it likely to have some effect on normal mRNA splicing. In silico splice site analysis predicts that this alteration will weaken the native splice donor site, and RNA studies have demonstrated that this alteration results in abnormal splicing in the set of samples tested (Ambry internal data). This nucleotide position is highly conserved in available vertebrate species. This variant is considered to be rare based on population cohorts in the Genome Aggregation Database (gnomAD). Based on the supporting evidence, this variant is likely pathogenic for an increased risk of LZTR1-related schwannomatosis (SWN) and would be expected to cause autosomal recessive Noonan syndrome when present along with a second pathogenic or likely pathogenic variant on the other allele.

Baylor Genetics
Classification: Uncertain significance for LZTR1-related schwannomatosis. Last evaluated: 2024-02-26. Review status: criteria provided, single submitter. Criteria: ACMG Guidelines, 2015. Collection method: clinical testing. Allele origin: unknown.

GeneDx
Classification: Uncertain significance. Last evaluated: 2023-11-01. Review status: criteria provided, single submitter. Criteria: GeneDx Variant Classification Process June 2021. Collection method: clinical testing. Allele origin: germline. Affected: yes.
Comment: Alters the last nucleotide of the exon and is predicted to destroy the splice donor site but the effect on protein function is unclear; In silico analysis supports that this missense variant has a deleterious effect on protein structure/function; Not observed at significant frequency in large population cohorts (gnomAD); Has not been previously published as pathogenic or benign to our knowledge

Clinical Genetics DNA and cytogenetics Diagnostics Lab, Erasmus MC, Erasmus Medical Center
Classification: Uncertain significance. Review status: no assertion criteria provided. Collection method: clinical testing. Allele origin: germline. Affected: yes. Study: VKGL Data-share Consensus. Not counted in ClinVar's aggregate classification.

Joint Genome Diagnostic Labs from Nijmegen and Maastricht, Radboudumc and MUMC+
Classification: Uncertain significance. Review status: no assertion criteria provided. Collection method: clinical testing. Allele origin: germline. Affected: yes. Study: VKGL Data-share Consensus. Not counted in ClinVar's aggregate classification.

Literature cited by the submitters: PubMed 17576681 (cited by Labcorp Genetics (formerly Invitae), Labcorp); PubMed 9536098 (cited by Labcorp Genetics (formerly Invitae), Labcorp).